The following is an entry in ClinVar:

ClinVar aggregate classification (germline): Uncertain significance (1 of 4 stars; one submission).

Conditions:
Acrocallosal syndrome (ACLS). Also called: Schinzel syndrome 1; Absence of corpus callosum with unusual facial appearance, mental deficiency, duplication of the halluces and polydactyly; HALLUX DUPLICATION, POSTAXIAL POLYDACTYLY, AND ABSENCE OF CORPUS CALLOSUM. Identifiers: Orphanet 36, MedGen C0796147, MONDO:0008708, OMIM 200990.

Submission:

Labcorp Genetics (formerly Invitae), Labcorp
Classification: Uncertain significance for Acrocallosal syndrome. Last evaluated: 2023-08-04. Review status: criteria provided, single submitter. Criteria: Invitae Variant Classification Sherloc (09022015). Collection method: clinical testing. Allele origin: germline.
Comment: This sequence change replaces glutamic acid, which is acidic and polar, with glutamine, which is neutral and polar, at codon 526 of the KIF7 protein (p.Glu526Gln). This variant is not present in population databases (gnomAD no frequency). This variant has not been reported in the literature in individuals affected with KIF7-related conditions. ClinVar contains an entry for this variant (Variation ID: 2160903). Advanced modeling of protein sequence and biophysical properties (such as structural, functional, and spatial information, amino acid conservation, physicochemical variation, residue mobility, and thermodynamic stability) performed at Invitae indicates that this missense variant is not expected to disrupt KIF7 protein function. In summary, the available evidence is currently insufficient to determine the role of this variant in disease. Therefore, it has been classified as a Variant of Uncertain Significance.

NM_198525.3(KIF7):c.1576G>C (p.Glu526Gln)

Gene: KIF7 (kinesin family member 7; minus strand). Cytogenetic location: 15q26.1.
Variant type: single nucleotide variant.
Coding change: c.1576G>C on transcript NM_198525.3 (MANE Select); coding-DNA position 1576, G replaced by C.
Protein change: p.Glu526Gln; replaces glutamic acid 526 with glutamine.
Molecular consequence: missense variant.
Genome position (GRCh38, 1-based): chr15:89,647,042, C>G on the plus strand (G>C on the coding strand, the complement: KIF7 is on the minus strand). VCF-style: chr15-89647042-C-G. GRCh37 (hg19) VCF-style: chr15-90190273-C-G.
Other names: short protein forms E526Q.
Identifiers: ClinVar variation 2160903 (VCV002160903.2), dbSNP rs1436845524, ClinGen allele CA393768073.